The following is an entry in ClinVar:

NM_001375380.1(EBF3):c.151_153delinsTGA (p.Arg51Ter)

Gene: EBF3 (EBF transcription factor 3; minus strand). Cytogenetic location: 10q26.3.
Variant type: Indel.
Coding change: c.151_153delinsTGA on transcript NM_001375380.1 (MANE Select); coding-DNA positions 151 to 153, CGG replaced by TGA.
Protein change: p.Arg51Ter; replaces arginine 51 with a stop codon.
Molecular consequence: nonsense.
Genome position (GRCh38, 1-based): chr10:129,963,505-129,963,507, CCG replaced by TCA on the plus strand (CGG replaced by TGA on the coding strand, the reverse complement: EBF3 is on the minus strand). VCF-style: chr10-129963505-CCG-TCA. GRCh37 (hg19) VCF-style: chr10-131761769-CCG-TCA.
Other names: c.151_153delinsTGA, p.Arg51Ter (NM_001005463.3, NM_001375379.1, NM_001375389.1 and 3 more transcripts); short protein forms R51*.
Identifiers: ClinVar variation 503921 (VCV000503921.1), dbSNP rs1554937249, ClinGen allele CA658797552.

ClinVar aggregate classification (germline): Pathogenic (1 of 4 stars; one submission).

Submission:

GeneDx
Classification: Pathogenic. Last evaluated: 2017-12-07. Review status: criteria provided, single submitter. Criteria: GeneDx Variant Classification (06012015). Collection method: clinical testing. Allele origin: germline. Affected: yes.
Comment: The c.151_153delCGGinsTGA variant in the EBF3 gene has not been reported previously as apathogenic variant nor as a benign variant, to our knowledge. The c.151_153delCGGinsTGA variant iscaused by two nucleotide substitutions (c.151 C>T and c.153 G>A) on the same allele (in cis), resultingin the R51X nonsense variant. This variant is predicted to cause loss of normal protein function eitherthrough protein truncation or nonsense-mediated mRNA decay. The c.151_153delCGGinsTGA variantis not observed in large population cohorts (Lek et al., 2016). Therefore, we interpret this variant as pathogenic.